The following is an entry in ClinVar:

NM_001012759.3(CTU2):c.1399C>T (p.Arg467Cys)

Gene: CTU2 (cytosolic thiouridylase subunit 2; plus strand). Cytogenetic location: 16q24.3.
Variant type: single nucleotide variant.
Coding change: c.1399C>T on transcript NM_001012759.3 (MANE Select); coding-DNA position 1399, C replaced by T.
Protein change: p.Arg467Cys; replaces arginine 467 with cysteine.
Molecular consequence: missense variant.
Genome position (GRCh38, 1-based): chr16:88,714,906, C>T. VCF-style: chr16-88714906-C-T. GRCh37 (hg19) VCF-style: chr16-88781314-C-T.
Other names: c.1399C>T, p.Arg467Cys (NM_001012762.3); c.1612C>T, p.Arg538Cys (NM_001318507.2); c.1138C>T, p.Arg380Cys (NM_001318513.2); short protein forms R380C, R467C, R538C.
Identifiers: ClinVar variation 1344612 (VCV001344612.12), dbSNP rs139862860, ClinGen allele CA8231089.

ClinVar aggregate classification (germline): Benign/Likely benign. Review status: criteria provided, multiple submitters, no conflicts (2 of 4 stars). 3 submissions from 3 submitters: Benign (1); Likely benign (1). 1 of the submissions does not count toward it. Last evaluated 2025-10-18.

Conditions:
Congenital anomaly of kidney and urinary tract. Also called: Congenital anomalies of the kidney and urinary tract; Congenital anomalies of kidney and urinary tract. Identifiers: Orphanet 93545, MedGen C1968949, MeSH C566906, MONDO:0019719.

Allele frequency attached by ClinVar (database versions not stated): ESP Exome Variant Server 0.00093; 1000 Genomes Project 0.00140; 1000 Genomes Project 30x 0.00141.
gnomAD v4.1: 1,633 of 1,612,632 alleles (0.1%); highest among the groups gnomAD compares: Middle Eastern, 0.3%; 2 homozygotes.

Submissions (3):

Labcorp Genetics (formerly Invitae), Labcorp
Classification: Benign. Last evaluated: 2025-10-18. Review status: criteria provided, single submitter. Criteria: Invitae Variant Classification Sherloc (09022015). Collection method: clinical testing. Allele origin: germline.

Women's Health and Genetics/Laboratory Corporation of America, LabCorp
Classification: Likely benign. Last evaluated: 2025-04-24. Review status: criteria provided, single submitter. Criteria: LabCorp Variant Classification Summary - May 2015. Collection method: clinical testing. Allele origin: germline.
Comment: Variant summary: CTU2 c.1399C>T (p.Arg467Cys) results in a non-conservative amino acid change in the encoded protein sequence. Four of five in-silico tools predict a damaging effect of the variant on protein function. The variant allele was found at a frequency of 0.001 in 1612632 control chromosomes (including 2 homozygotes), predominantly at a frequency of 0.003 within the Middle Eastern subpopulation in the gnomAD database (gnomAD v.4.1.0). c.1399C>T has also been reported in the literature in two homozygous individuals with clinical features of CTU2- related conditions (vanderVen_2018). To our knowledge, no experimental evidence demonstrating an impact on protein function has been reported. The following publications have been ascertained in the context of this evaluation (PMID: 30143558, 35982159, 33057194). ClinVar contains an entry for this variant (Variation ID: 1344612). Based on the evidence outlined above, the variant was classified as likely benign.

Yale Center for Mendelian Genomics, Yale University
Classification: Likely pathogenic for Congenital anomaly of kidney and urinary tract. Last evaluated: 2018-08-24. Review status: no assertion criteria provided. Collection method: literature only. Allele origin: germline. Affected: yes. Observed: 2 homozygotes. Study: Yale Center for Mendelian Genomics. Not counted in ClinVar's aggregate classification.

Literature cited by the submitters: PubMed 30143558 (cited by Women's Health and Genetics/Laboratory Corporation of America, LabCorp and Yale Center for Mendelian Genomics, Yale University); PubMed 35982159 (cited by Women's Health and Genetics/Laboratory Corporation of America, LabCorp); PubMed 33057194 (cited by Women's Health and Genetics/Laboratory Corporation of America, LabCorp).